The following is an entry in ClinVar:

ClinVar aggregate classification (germline): Uncertain significance (1 of 4 stars; one submission).

gnomAD v4.1: 13 of 1,611,474 alleles (0.00081%); highest among the groups gnomAD compares: East Asian, 0.0022%; no homozygotes.

Submission:

Labcorp Genetics (formerly Invitae), Labcorp
Classification: Uncertain significance. Last evaluated: 2024-11-15. Review status: criteria provided, single submitter. Criteria: Invitae Variant Classification Sherloc (09022015). Collection method: clinical testing. Allele origin: germline.
Comment: This sequence change replaces alanine, which is neutral and non-polar, with valine, which is neutral and non-polar, at codon 122 of the TNNT3 protein (p.Ala122Val). The frequency data for this variant in the population databases is considered unreliable, as metrics indicate poor data quality at this position in the gnomAD database. This variant has not been reported in the literature in individuals affected with TNNT3-related conditions. An algorithm developed to predict the effect of missense changes on protein structure and function (PolyPhen-2) suggests that this variant is likely to be disruptive. In summary, the available evidence is currently insufficient to determine the role of this variant in disease. Therefore, it has been classified as a Variant of Uncertain Significance.

NM_006757.4(TNNT3):c.365C>T (p.Ala122Val)

Gene: TNNT3 (troponin T3, fast skeletal type; plus strand). Cytogenetic location: 11p15.5.
Variant type: single nucleotide variant.
Coding change: c.365C>T on transcript NM_006757.4 (MANE Select); coding-DNA position 365, C replaced by T.
Protein change: p.Ala122Val; replaces alanine 122 with valine.
Molecular consequence: missense variant.
Genome position (GRCh38, 1-based): chr11:1,934,007, C>T. VCF-style: chr11-1934007-C-T. GRCh37 (hg19) VCF-style: chr11-1955237-C-T.
Other names: c.341C>T, p.Ala114Val (NM_001042780.3, NM_001042782.3, NM_001297646.2 and 2 more transcripts); c.359C>T, p.Ala120Val (NM_001042781.3, NM_001367842.1, NM_001367843.1); c.374C>T, p.Ala125Val (NM_001363561.2, NM_001367847.1); c.398C>T, p.Ala133Val (NM_001367846.1); c.362C>T, p.Ala121Val (NM_001367848.1); c.353C>T, p.Ala118Val (NM_001367849.1); c.308C>T, p.Ala103Val (NM_001367850.1); c.161C>T, p.Ala54Val (NM_001367851.1, NM_001367852.1); short protein forms A121V, A133V, A103V, A120V, A125V, A114V, A118V, A54V.
Identifiers: ClinVar variation 3633446 (VCV003633446.2).